The following is an entry in ClinVar:

NM_006944.3(SPP2):c.531_536del (p.Gln177_Tyr179delinsHis)

Gene: SPP2 (secreted phosphoprotein 2; plus strand). Cytogenetic location: 2q37.1.
Variant type: Deletion.
Coding change: c.531_536del on transcript NM_006944.3 (MANE Select); coding-DNA positions 531 to 536, 6 bases deleted (ATTTTA; older notation c.531_536delATTTTA).
Protein change: p.Gln177_Tyr179delinsHis.
Molecular consequence: inframe indel.
Genome position (GRCh38, 1-based): chr2:234,067,255-234,067,260, ATTTTA deleted; deleting any 6 consecutive bases within chr2:234,067,254-234,067,260 gives the same sequence; the c. name uses the placement nearest the transcript's 3' end. VCF-style (leftmost placement, unchanged base first): chr2-234067253-CAATTTT-C. GRCh37 (hg19) VCF-style: chr2-234975897-CAATTTT-C.
Identifiers: ClinVar variation 1039326 (VCV001039326.9), dbSNP rs758307599, ClinGen allele CA2183247.

ClinVar aggregate classification (germline): Uncertain significance. Review status: criteria provided, multiple submitters, no conflicts (2 of 4 stars). 2 submissions from 2 submitters: Uncertain significance (2). Last evaluated 2025-03-25.

Submissions (2):

Labcorp Genetics (formerly Invitae), Labcorp
Classification: Uncertain significance. Last evaluated: 2025-03-25. Review status: criteria provided, single submitter. Criteria: Invitae Variant Classification Sherloc (09022015). Collection method: clinical testing. Allele origin: germline.
Comment: This variant, c.531_536del, is a complex sequence change that results in the deletion of 2 and insertion of 1 amino acid(s) in the SPP2 protein (p.Gln177_Tyr179delinsHis). This variant is present in population databases (rs758307599, gnomAD 0.002%). This variant has not been reported in the literature in individuals affected with SPP2-related conditions. ClinVar contains an entry for this variant (Variation ID: 1039326). Experimental studies and prediction algorithms are not available or were not evaluated, and the functional significance of this variant is currently unknown. In summary, the available evidence is currently insufficient to determine the role of this variant in disease. Therefore, it has been classified as a Variant of Uncertain Significance.

Blueprint Genetics
Classification: Uncertain significance. Last evaluated: 2021-03-15. Review status: criteria provided, single submitter. Criteria: ACMG Guidelines, 2015. Collection method: clinical testing. Allele origin: germline.